The following is an entry in ClinVar:

ClinVar aggregate classification (germline): Uncertain significance. Review status: criteria provided, multiple submitters, no conflicts (2 of 4 stars). 2 submissions from 2 submitters: Uncertain significance (2). Last evaluated 2022-04-13.

Conditions:
Tyrosinemia type I (TYRSN1). Also called: FAH DEFICIENCY; Tyrosinemia type 1; Fumarylacetoacetase deficiency; Deficiency of fumarylacetoacetase; HEPATORENAL TYROSINEMIA. Identifiers: Orphanet 882, MedGen C0268490, MONDO:0010161, OMIM 276700. Disease mechanism: loss of function.
Inborn genetic diseases. Identifiers: MedGen C0950123, MeSH D030342.

Allele frequency attached by ClinVar (database versions not stated): ExAC 0.00001; TOPMed 0.00002; gnomAD 0.00003.
gnomAD v4.1: 47 of 1,614,072 alleles (0.0029%); highest among the groups gnomAD compares: Non-Finnish European, 0.0038%; no homozygotes.

Submissions (2):

Labcorp Genetics (formerly Invitae), Labcorp
Classification: Uncertain significance for Tyrosinemia type I. Last evaluated: 2022-04-13. Review status: criteria provided, single submitter. Criteria: Invitae Variant Classification Sherloc (09022015). Collection method: clinical testing. Allele origin: germline.
Comment: This sequence change replaces serine, which is neutral and polar, with threonine, which is neutral and polar, at codon 260 of the FAH protein (p.Ser260Thr). This variant is present in population databases (rs752497048, gnomAD 0.002%). This variant has not been reported in the literature in individuals affected with FAH-related conditions. Advanced modeling of protein sequence and biophysical properties (such as structural, functional, and spatial information, amino acid conservation, physicochemical variation, residue mobility, and thermodynamic stability) performed at Invitae indicates that this missense variant is expected to disrupt FAH protein function. In summary, the available evidence is currently insufficient to determine the role of this variant in disease. Therefore, it has been classified as a Variant of Uncertain Significance.

Ambry Genetics
Classification: Uncertain significance for Inborn genetic diseases. Last evaluated: 2021-07-14. Review status: criteria provided, single submitter. Criteria: Ambry Variant Classification Scheme 2023. Collection method: clinical testing. Allele origin: germline.

NM_000137.4(FAH):c.778T>A (p.Ser260Thr)

Gene: FAH (fumarylacetoacetate hydrolase; plus strand). Cytogenetic location: 15q25.1.
Variant type: single nucleotide variant.
Coding change: c.778T>A on transcript NM_000137.4 (MANE Select); coding-DNA position 778, T replaced by A.
Protein change: p.Ser260Thr; replaces serine 260 with threonine.
Molecular consequence: missense variant.
Genome position (GRCh38, 1-based): chr15:80,173,085, T>A. VCF-style: chr15-80173085-T-A. GRCh37 (hg19) VCF-style: chr15-80465427-T-A.
Other names: c.778T>A, p.Ser260Thr (NM_001374377.1, NM_001374380.1); c.778T>A (NM_000137.2); short protein forms S260T.
Identifiers: ClinVar variation 2162580 (VCV002162580.2), dbSNP rs752497048, ClinGen allele CA7691336.